The following is an entry in ClinVar:

ClinVar aggregate classification (germline): Benign. Review status: criteria provided, multiple submitters, no conflicts (2 of 4 stars). 3 submissions from 3 submitters: Benign (2). 1 of the submissions does not count toward it. Last evaluated 2013-07-08.

Conditions:
ZNF674-related disorder. Also called: ZNF674-related condition.

Allele frequency attached by ClinVar (database versions not stated): TOPMed 0.00459; ExAC 0.00136; 1000 Genomes Project 30x 0.00291; 1000 Genomes Project 0.00318; gnomAD 0.00358; ESP Exome Variant Server 0.00441.
gnomAD v4.1: 824 of 1,210,453 alleles (0.068%); highest among the groups gnomAD compares: African/African-American, 1.3%; 7 homozygotes.

Submissions (3):

Genetic Services Laboratory, University of Chicago
Classification: Benign for AllHighlyPenetrant. Last evaluated: 2013-07-08. Review status: criteria provided, single submitter. Criteria: ACMG Guidelines, 2007. Collection method: clinical testing. Allele origin: germline. Inheritance: X-linked inheritance.

Breakthrough Genomics
Classification: Benign. Review status: criteria provided, single submitter. Criteria: ACMG Guidelines, 2015. Collection method: not provided. Allele origin: germline. Inheritance: Unknown mechanism. Affected: yes.

PreventionGenetics, part of Exact Sciences
Classification: Benign for ZNF674-related condition. Last evaluated: 2019-06-07. Review status: no assertion criteria provided. Collection method: clinical testing. Allele origin: germline. Not counted in ClinVar's aggregate classification.
Comment: This variant is classified as benign based on ACMG/AMP sequence variant interpretation guidelines (Richards et al. 2015 PMID: 25741868, with internal and published modifications).

NM_001190417.2(ZNF674):c.1110T>G (p.His370Gln)

Gene: ZNF674 (zinc finger protein 674; minus strand). Cytogenetic location: Xp11.3.
Variant type: single nucleotide variant.
Coding change: c.1110T>G on transcript NM_001190417.2 (MANE Select); coding-DNA position 1110, T replaced by G.
Protein change: p.His370Gln; replaces histidine 370 with glutamine.
Molecular consequence: missense variant.
Genome position (GRCh38, 1-based): chrX:46,500,464, A>C on the plus strand (T>G on the coding strand, the complement: ZNF674 is on the minus strand). VCF-style: chrX-46500464-A-C. GRCh37 (hg19) VCF-style: chrX-46359899-A-C.
Other names: c.1125T>G, p.His375Gln (NM_001039891.3); c.1107T>G, p.His369Gln (NM_001146291.2); short protein forms H375Q, H369Q, H370Q.
Identifiers: ClinVar variation 130841 (VCV000130841.9), dbSNP rs142411452, ClinGen allele CA156155.